The following is an entry in ClinVar:

NM_004431.5(EPHA2):c.2826-9G>A

Gene: EPHA2 (EPH receptor A2; minus strand). Cytogenetic location: 1p36.13.
Variant type: single nucleotide variant.
Coding change: c.2826-9G>A on transcript NM_004431.5 (MANE Select); 9 bases into the intron before coding-DNA position 2826, G replaced by A.
Molecular consequence: intron variant.
Genome position (GRCh38, 1-based): chr1:16,125,329, C>T on the plus strand (G>A on the coding strand, the complement: EPHA2 is on the minus strand). VCF-style: chr1-16125329-C-T. GRCh37 (hg19) VCF-style: chr1-16451824-C-T.
Other names: IVS16, G-A, -9; c.2664-9G>A (NM_001329090.2); c.2826-9G>A (NM_004431.4).
Identifiers: ClinVar variation 280146 (VCV000280146.21), dbSNP rs886041412, ClinGen allele CA10602740.

ClinVar aggregate classification (germline): Pathogenic. Review status: criteria provided, multiple submitters, no conflicts (2 of 4 stars). 10 submissions from 10 submitters: Pathogenic (8). 2 of the submissions do not count toward it. Last evaluated 2025-10-08.

Conditions:
EPHA2-related disorders.
EPHA2-related disorder. Also called: EPHA2-related condition.
Inborn genetic diseases. Identifiers: MedGen C0950123, MeSH D030342.
Cataract 6 multiple types. Also called: CATARACT 6, POSTERIOR POLAR; CATARACT 6, CONGENITAL TOTAL; CATARACT, AGE-RELATED CORTICAL, 2. Identifiers: Orphanet 91492, MedGen C1861825, MONDO:0007288, OMIM 116600.

Submissions (10):

Labcorp Genetics (formerly Invitae), Labcorp
Classification: Pathogenic for Cataract 6 multiple types. Last evaluated: 2025-10-08. Review status: criteria provided, single submitter. Criteria: Invitae Variant Classification Sherloc (09022015). Collection method: clinical testing. Allele origin: germline.
Comment: This sequence change falls in intron 16 of the EPHA2 gene. It does not directly change the encoded amino acid sequence of the EPHA2 protein. This variant is not present in population databases (gnomAD no frequency). This variant has been observed in individual(s) with autosomal dominant congenital cataracts (PMID: 19306328, 24014202). It has also been observed to segregate with disease in related individuals. ClinVar contains an entry for this variant (Variation ID: 280146). Algorithms developed to predict the effect of variants on gene product structure and function are not available or were not evaluated for this variant. Experimental studies have shown that this variant affects EPHA2 function (PMID: 19306328, 22570727, 26900323). Algorithms developed to predict the effect of sequence changes on RNA splicing suggest that this variant may disrupt the consensus splice site. For these reasons, this variant has been classified as Pathogenic.

PreventionGenetics, part of Exact Sciences
Classification: Pathogenic for EPHA2-related condition. Last evaluated: 2025-06-13. Review status: criteria provided, single submitter. Criteria: ACMG Guidelines, 2015. Collection method: clinical testing. Allele origin: germline.
Comment: The EPHA2 c.2826-9G>A variant is predicted to interfere with splicing. This variant has been reported as co-segregating with disease in multiple families with congenital cataracts (see for examples, Dave et al. 2013. PubMed ID: 24014202; Berry et al. 2017. PubMed ID: 29039721; Astiazarán et al. 2018. PubMed ID: 30450742). This variant has not been reported in a large population database (gnomAD), indicating it is rare. RT-PCR studies derived from patients harboring the c.2826-9G>A variant revealed an aberrant mRNA transcript incorporating the last 7 bp of intron 16 into exon 17, which is predicted to result in a frameshift (Zhang et al. 2009. PubMed ID: 19306328). In vitro experimental studies suggest this variant reduces steady state protein levels and affects protein localization (Park et al. 2012. PubMed ID: 22570727; Dave et al. 2016. PubMed ID: 26900323). In summary, this variant is interpreted as pathogenic.

Institute of Human Genetics, Heidelberg University
Classification: Pathogenic for Cataract 6 multiple types. Last evaluated: 2025-06-10. Review status: criteria provided, single submitter. Criteria: ACMG Guidelines, 2015. Collection method: clinical testing. Allele origin: de novo. Affected: yes. Observed: 1 variant allele.
Comment: PS2, PS3, PM2_supp, PP1_strong, PP4_supp

Department of Paediatrics at Addenbrookes, Cambridge University Hospitals NHS Foundation Trust (UK)
Classification: Pathogenic for Cataract 6 multiple types. Last evaluated: 2025-05-27. Review status: criteria provided, single submitter. Criteria: Durkie Uk Practice Guidelines For Variant Classification V12 2024 (1). Collection method: clinical testing. Allele origin: unknown.
Comment: PS3_Strong; PM2_Moderate; PP1_Strong

GeneDx
Classification: Pathogenic. Last evaluated: 2024-12-12. Review status: criteria provided, single submitter. Criteria: GeneDx Variant Classification Process June 2021. Collection method: clinical testing. Allele origin: germline. Affected: yes.
Comment: Not observed at significant frequency in large population cohorts (gnomAD); This variant is associated with the following publications: (PMID: 34758253, 30450742, 33671840, 22570727, 26900323, 29039721, 35918037, 35295853, 33923544, 38895685, 37337769, 19306328, 24014202, 36729443)

Ambry Genetics
Classification: Pathogenic for Inborn genetic diseases. Last evaluated: 2024-04-29. Review status: criteria provided, single submitter. Criteria: Ambry Variant Classification Scheme 2023. Collection method: clinical testing. Allele origin: germline.
Comment: The c.2826-9G>A intronic alteration results from a G to A substitution 9 nucleotides before coding exon 17 in the EPHA2 gene. for autosomal dominant EPHA2-related cataract; however, its clinical significance for autosomal recessive EPHA2-related cataract is uncertain. This variant was not reported in population-based cohorts in the Genome Aggregation Database (gnomAD). This variant has been found to segregate with affected individuals in multiple families with autosomal dominant congenital cataract (Zhang, 2009; Dave, 2013; Astiazar&aacute;n, 2018; Berry, 2018). This nucleotide position is poorly conserved in available vertebrate species. A minigene assay confirmed that c.2826-9G>A results in aberrant splicing (Zhang, 2009). In silico splice site analysis predicts that this alteration will weaken the native splice acceptor site and will result in the creation or strengthening of a novel splice acceptor site. Based on the available evidence, this alteration is classified as pathogenic.

Blueprint Genetics
Classification: Pathogenic for EPHA2-related disorders. Last evaluated: 2023-10-31. Review status: criteria provided, single submitter. Criteria: ACMG Guidelines, 2015. Collection method: clinical testing. Allele origin: germline. Affected: yes. Observed: 1 variant allele.

Juno Genomics, Hangzhou Juno Genomics, Inc
Classification: Pathogenic for Cataract 6 multiple types. Review status: criteria provided, single submitter. Criteria: ACMG Guidelines, 2015. Collection method: clinical testing. Allele origin: germline. Affected: yes.
Comment: Absent from controls (or at extremely low frequency if recessive) in Genome Aggregation Database, Exome Sequencing Project, 1000 Genomes Project, or Exome Aggregation Consortium.;Well-established in vitro or in vivo functional studies supportive of a damaging effect on the gene or gene product.;The prevalence of the variant in affected individuals is significantly increased compared to the prevalence in controls.;Co-segregation with disease in multiple affected family members in a gene definitively known to cause the disease.;Patient's phenotype or family history is highly specific for a disease with a single genetic etiology.

OMIM
Classification: Pathogenic for CATARACT 6, CONGENITAL TOTAL. Last evaluated: 2009-05-01. Review status: no assertion criteria provided. Collection method: literature only. Allele origin: germline. Not counted in ClinVar's aggregate classification.

Genomics England Pilot Project, Genomics England
Classification: Likely pathogenic for Cataract 6 multiple types. Review status: no assertion criteria provided. Criteria: ACGS Guidelines, 2016. Collection method: clinical testing. Allele origin: germline. Affected: yes. Not counted in ClinVar's aggregate classification.

Literature cited by the submitters: PubMed 19306328 (cited by 3 submitters); PubMed 24014202 (cited by Labcorp Genetics (formerly Invitae), Labcorp and Ambry Genetics); PubMed 22570727 (cited by Labcorp Genetics (formerly Invitae), Labcorp); PubMed 26900323 (cited by Labcorp Genetics (formerly Invitae), Labcorp); PubMed 29039721 (cited by Ambry Genetics); PubMed 30450742 (cited by Ambry Genetics); PubMed 15965161 (cited by OMIM); PubMed 12167657 (cited by OMIM); PubMed 16051609 (cited by OMIM).